The following is an entry in ClinVar:

NM_006766.5(KAT6A):c.5102C>A (p.Pro1701Gln)

Gene: KAT6A (lysine acetyltransferase 6A; minus strand). Cytogenetic location: 8p11.21.
Variant type: single nucleotide variant.
Coding change: c.5102C>A on transcript NM_006766.5 (MANE Select); coding-DNA position 5102, C replaced by A.
Protein change: p.Pro1701Gln; replaces proline 1701 with glutamine.
Molecular consequence: missense variant.
Genome position (GRCh38, 1-based): chr8:41,933,118, G>T on the plus strand (C>A on the coding strand, the complement: KAT6A is on the minus strand). VCF-style: chr8-41933118-G-T. GRCh37 (hg19) VCF-style: chr8-41790636-G-T.
Other names: short protein forms P1701Q.
Identifiers: ClinVar variation 3704152 (VCV003704152.2).

ClinVar aggregate classification (germline): Uncertain significance (1 of 4 stars; one submission).

Submission:

Labcorp Genetics (formerly Invitae), Labcorp
Classification: Uncertain significance. Last evaluated: 2024-11-11. Review status: criteria provided, single submitter. Criteria: Invitae Variant Classification Sherloc (09022015). Collection method: clinical testing. Allele origin: germline.
Comment: This sequence change replaces proline, which is neutral and non-polar, with glutamine, which is neutral and polar, at codon 1701 of the KAT6A protein (p.Pro1701Gln). This variant is not present in population databases (gnomAD no frequency). This variant has not been reported in the literature in individuals affected with KAT6A-related conditions. Invitae Evidence Modeling of protein sequence and biophysical properties (such as structural, functional, and spatial information, amino acid conservation, physicochemical variation, residue mobility, and thermodynamic stability) indicates that this missense variant is not expected to disrupt KAT6A protein function with a negative predictive value of 95%. In summary, the available evidence is currently insufficient to determine the role of this variant in disease. Therefore, it has been classified as a Variant of Uncertain Significance.